The following is an entry in ClinVar:

ClinVar aggregate classification (germline): Uncertain significance (1 of 4 stars; one submission).

Conditions:
Cardiovascular phenotype. Identifiers: MedGen CN230736.

gnomAD v4.1: 1 of 1,614,048 alleles (0.000062%); highest among the groups gnomAD compares: Non-Finnish European, 0.000085%; no homozygotes.

Submission:

Ambry Genetics
Classification: Uncertain significance for Cardiovascular phenotype. Last evaluated: 2024-10-08. Review status: criteria provided, single submitter. Criteria: Ambry Variant Classification Scheme 2023. Collection method: clinical testing. Allele origin: germline.
Comment: The p.A1051V variant (also known as c.3152C>T), located in coding exon 25 of the JAG1 gene, results from a C to T substitution at nucleotide position 3152. The alanine at codon 1051 is replaced by valine, an amino acid with similar properties. This amino acid position is conserved. In addition, the in silico prediction for this alteration is inconclusive. Based on the available evidence, the clinical significance of this variant remains unclear.

NM_000214.3(JAG1):c.3152C>T (p.Ala1051Val)

Gene: JAG1 (jagged canonical Notch ligand 1; minus strand). Cytogenetic location: 20p12.2.
Variant type: single nucleotide variant.
Coding change: c.3152C>T on transcript NM_000214.3 (MANE Select); coding-DNA position 3152, C replaced by T.
Protein change: p.Ala1051Val; replaces alanine 1051 with valine.
Molecular consequence: missense variant.
Genome position (GRCh38, 1-based): chr20:10,640,830, G>A on the plus strand (C>T on the coding strand, the complement: JAG1 is on the minus strand). VCF-style: chr20-10640830-G-A. GRCh37 (hg19) VCF-style: chr20-10621478-G-A.
Other names: short protein forms A1051V.
Identifiers: ClinVar variation 3531172 (VCV003531172.1).
Genomic context (GRCh38, chr20:10,640,830, plus strand): 5'-ACTTGACACCTACCTGTTCTGTTCTTCAGAGGCCGCCTCTGAACTCTTACTTCTGCAACG[G>A]CAGCAATCAGCGAGCTGTTTCCATCACGTTTACTAACAAGATCGATTATTTTGTCAGTGA-3'
Protein context (NP_000205.1, residues 1041-1061): KRDGNSSLIA[Ala1051Val]VAEVRVQRRP